The following is an entry in ClinVar:

NM_144997.7(FLCN):c.1499_1500dup (p.Asp501fs)

Gene: FLCN (folliculin; minus strand). Cytogenetic location: 17p11.2.
Variant type: Duplication.
Coding change: c.1499_1500dup on transcript NM_144997.7 (MANE Select); coding-DNA positions 1499 to 1500, 2 bases duplicated (TG; older notation c.1499_1500dupTG).
Protein change: p.Asp501fs; shifts the reading frame from aspartic acid 501.
Molecular consequence: frameshift variant.
Genome position (GRCh38, 1-based): chr17:17,215,023-17,215,024, CA duplicated on the plus strand (TG on the coding strand, the reverse complement: FLCN is on the minus strand); duplicating any 2 consecutive bases within chr17:17,215,023-17,215,025 gives the same sequence; the c. name uses the placement nearest the transcript's 3' end. VCF-style (leftmost placement, unchanged base first): chr17-17215022-C-CCA. GRCh37 (hg19) VCF-style: chr17-17118336-C-CCA.
Other names: c.1553_1554dup, p.Asp519fs (NM_001353229.2); c.1499_1500dup, p.Asp501fs (NM_001353230.2, NM_001353231.2); short protein forms D501fs, D519fs.
Identifiers: ClinVar variation 4085419 (VCV004085419.8).

ClinVar aggregate classification (germline): Likely pathogenic (1 of 4 stars; one submission).

Submission:

CeGaT Center for Human Genetics Tuebingen
Classification: Likely pathogenic. Last evaluated: 2025-07-01. Review status: criteria provided, single submitter. Criteria: CeGaT Center For Human Genetics Tuebingen Variant Classification Criteria Version 2. Collection method: clinical testing. Allele origin: germline. Affected: yes. Observed: 1 variant allele.
Comment: FLCN: PVS1:Strong, PM2